The following is an entry in ClinVar:

NM_007294.4(BRCA1):c.5406+9T>A

Gene: BRCA1 (BRCA1 DNA repair associated; minus strand). Cytogenetic location: 17q21.31.
Variant type: single nucleotide variant.
Coding change: c.5406+9T>A on transcript NM_007294.4 (MANE Select); 9 bases into the intron after coding-DNA position 5406, T replaced by A.
Molecular consequence: intron variant.
Genome position (GRCh38, 1-based): chr17:43,049,112, A>T on the plus strand (T>A on the coding strand, the complement: BRCA1 is on the minus strand). VCF-style: chr17-43049112-A-T. GRCh37 (hg19) VCF-style: chr17-41201129-A-T.
Other names: c.1980+9T>A (NM_001408420.1, NM_001408419.1, NM_001408418.1); c.2091+9T>A (NM_001408404.1, NM_001408402.1, NM_001408399.1 and 7 more transcripts); c.2021-1409T>A (NM_001408472.1, NM_007299.4); c.2094+9T>A (NM_001407990.1, NM_001407991.1, NM_001407984.1 and 10 more transcripts); c.2097+9T>A (NM_001407974.1, NM_001407973.1, NM_001407975.1 and 3 more transcripts); c.2799+9T>A (NM_001407969.1); c.2802+9T>A (NM_001407968.1); c.5400+9T>A (NM_001407640.1, NM_001407631.1, NM_001407638.1 and 13 more transcripts); and 84 more.
Identifiers: ClinVar variation 868058 (VCV000868058.3), dbSNP rs80358040, ClinGen allele CA916080830.

Conditions:
Breast-ovarian cancer, familial, susceptibility to, 1 (BROVCA1). Also called: BRCA1 Hereditary Breast and Ovarian Cancer; OVARIAN CANCER, SUSCEPTIBILITY TO. Identifiers: Orphanet 145, MedGen C2676676, MONDO:0011450, OMIM 604370. Disease mechanism: loss of function.

Submission:

Brotman Baty Institute, University of Washington
No classification provided (evidence only). Condition: Breast-ovarian cancer, familial 1. Review status: no classification provided. Collection method: in vitro. Allele origin: not applicable. Functional consequence: functionally_normal.
ClinVar note: "not provided" was previously submitted as the classification for the variant. However, the classification appeared to be based only on an observation of functional data so it was converted to no classification on 2025-07-30.